The following is an entry in ClinVar:

NM_001267550.2(TTN):c.103172dup (p.Pro34392fs)

Genes: TTN (titin; minus strand), TTN-AS1 (TTN antisense RNA 1; plus strand). Cytogenetic location: 2q31.2.
Variant type: Duplication.
Coding change: c.103172dup on transcript NM_001267550.2 (MANE Select); coding-DNA position 103172, one base duplicated (C; older notation c.103172dupC).
Protein change: p.Pro34392fs; shifts the reading frame from proline 34392.
Molecular consequence: frameshift variant.
Genome position (GRCh38, 1-based): chr2:178,533,443, G duplicated on the plus strand (C on the coding strand, the reverse complement: TTN is on the minus strand); the first of 6 consecutive G bases (chr2:178,533,443-178,533,448); duplicating any one gives the same sequence. VCF-style (leftmost placement, unchanged base first): chr2-178533442-T-TG. GRCh37 (hg19) VCF-style: chr2-179398169-T-TG.
Other names: c.98249dup, p.Pro32751fs (NM_001256850.1); c.75977dup, p.Pro25327fs (NM_003319.4); c.95468dup, p.Pro31824fs (NM_133378.4); c.76352dup, p.Pro25452fs (NM_133432.3); c.76553dup, p.Pro25519fs (NM_133437.4); c.75977dupC (NM_003319.4); short protein forms P25327fs, P25452fs, P31824fs, P25519fs, P32751fs, P34392fs.
Identifiers: ClinVar variation 2008325 (VCV002008325.5), dbSNP rs1690065341, ClinGen allele CA1039709228.
Genomic context (GRCh38, chr2:178,533,442, plus strand): 5'-AATTTCAATGTTAGGCCCGAGGGACAGTGGCTGACCATCTTTCTCCCATTTTAATGTTGG[T>TG]GGGGGGATGCCAGACACTCTGATCTCAAAGCAGACACTTTGGCCTTCTTGGCATTCTGCA-3'

ClinVar aggregate classification (germline): Likely pathogenic. Review status: criteria provided, multiple submitters, no conflicts (2 of 4 stars). 2 submissions from 2 submitters: Likely pathogenic (2). Last evaluated 2025-04-17.

Conditions:
Cardiovascular phenotype. Identifiers: MedGen CN230736.
Dilated cardiomyopathy 1G (CMD1G). Identifiers: Orphanet 154, MedGen C1858763, MONDO:0011400, OMIM 604145.
Autosomal recessive limb-girdle muscular dystrophy type 2J (LGMDR10). Also called: Limb-girdle muscular dystrophy, type 2J; MUSCULAR DYSTROPHY, LIMB-GIRDLE, AUTOSOMAL RECESSIVE 10. Identifiers: Orphanet 140922, MedGen C1837342, MONDO:0012127, OMIM 608807.

Submissions (2):

Ambry Genetics
Classification: Likely pathogenic for Cardiovascular phenotype. Last evaluated: 2025-04-17. Review status: criteria provided, single submitter. Criteria: Ambry Variant Classification Scheme 2023. Collection method: clinical testing. Allele origin: germline.
Comment: The c.75977dupC variant, located in coding exon 185 of the TTN gene, results from a duplication of C at nucleotide position 75977, causing a translational frameshift with a predicted alternate stop codon (p.P25327Tfs*17). This exon is located in the M-band region of the N2-B isoform of the titin protein and is constitutively expressed in TTN transcripts (percent spliced in or PSI 100%). This variant (referred to as NM_001267550.1:c.103172dupC, p.Pro34392fs) was reported in individual(s) with features consistent with dilated cardiomyopathy (Jansen M et al. Circ Genom Precis Med, 2019 May;12:e002436; Ambry internal data). This variant is considered to be rare based on population cohorts in the Genome Aggregation Database (gnomAD). This variant is expected to result in loss of function by premature protein truncation or nonsense-mediated mRNA decay. While truncating variants in TTN are present in 1-3% of the general population, truncating variants in the M-band have been reported in association with autosomal recessive titinopathies, primarily presenting with skeletal myopathy phenotypes (Ceyhan-Birsoy O et al. Neurology. 2013 Oct 1;81(14):1205-14; De Cid R et al. Neurology. 2015;85(24):2126-35). In addition, regardless of their position, TTN truncating variants encoded in constitutive exons (PSI >90%) have been found to be significantly associated with dilated cardiomyopathy (DCM), though truncating variants in the A-band are the most common cause of DCM (Herman DS et al. N. Engl. J. Med., 2012 Feb;366:619-28; Roberts AM et al. Sci Transl Med, 2015 Jan;7:270ra6; Schafer S et al. Nat. Genet., 2017 01;49:46-53; Akhtar MM et al. Circ Heart Fail, 2020 Oct;13:e006832; Massier M et al. Clin Genet, 2025 Jan). Based on the majority of available evidence to date, this variant is likely to be pathogenic in association with autosomal recessive titinopathy; however, the clinical significance of this alteration with respect to cardiomyopathy remains unclear.

Labcorp Genetics (formerly Invitae), Labcorp
Classification: Likely pathogenic for Dilated cardiomyopathy 1G; Autosomal recessive limb-girdle muscular dystrophy type 2J. Last evaluated: 2023-12-06. Review status: criteria provided, single submitter. Criteria: Invitae Variant Classification Sherloc (09022015). Collection method: clinical testing. Allele origin: germline.
Comment: This sequence change creates a premature translational stop signal (p.Pro34392Thrfs*17) in the TTN gene. While this is not anticipated to result in nonsense mediated decay, it is expected to create a truncated TTN protein. This variant is not present in population databases (gnomAD no frequency). This premature translational stop signal has been observed in individual(s) with dilated cardiomyopathy (PMID: 31112426). ClinVar contains an entry for this variant (Variation ID: 2008325). This variant is located in the M band of TTN (PMID: 25589632). Truncating variants in this region have been previously reported in individuals affected with autosomal recessive myopathy and muscular dystrophy (PMID: 18948003, 23975875, 24395473). Truncating variants in this region have also been identified in individuals affected with autosomal dominant dilated cardiomyopathy and/or cardio-related conditions (PMID: 27869827, 32964742). In summary, the currently available evidence indicates that the variant is pathogenic, but additional data are needed to prove that conclusively. Therefore, this variant has been classified as Likely Pathogenic.

Literature cited by the submitters: PubMed 31112426 (cited by Ambry Genetics and Labcorp Genetics (formerly Invitae), Labcorp); PubMed 25589632 (cited by Labcorp Genetics (formerly Invitae), Labcorp); PubMed 18948003 (cited by Labcorp Genetics (formerly Invitae), Labcorp); PubMed 23975875 (cited by Labcorp Genetics (formerly Invitae), Labcorp); PubMed 24395473 (cited by Labcorp Genetics (formerly Invitae), Labcorp); PubMed 27869827 (cited by Labcorp Genetics (formerly Invitae), Labcorp); PubMed 32964742 (cited by Labcorp Genetics (formerly Invitae), Labcorp).